The following is an entry in ClinVar:

ClinVar aggregate classification (germline): Benign. Review status: criteria provided, single submitter (1 of 4 stars). 3 submissions from 1 submitter: Benign (3). Last evaluated 2018-01-12.

Conditions:
Familial amyloid nephropathy with urticaria AND deafness (MWS). Also called: UDA SYNDROME; URTICARIA-DEAFNESS-AMYLOIDOSIS SYNDROME; MUCKLE-WELLS SYNDROME; Urticaria, deafness and amyloidosis; CRYOPYRIN-ASSOCIATED PERIODIC SYNDROME 2. Identifiers: Orphanet 575, MedGen C0268390, MONDO:0008633, OMIM 191900.
Familial cold autoinflammatory syndrome 1 (FCAS1). Also called: CRYOPYRIN-ASSOCIATED PERIODIC SYNDROME 1; Familial cold inflammatory syndrome 1. Identifiers: Orphanet 47045, MedGen C4551895, MONDO:0007349, OMIM 120100.
Chronic infantile neurological, cutaneous and articular syndrome (CINCA). Also called: CHRONIC NEUROLOGIC CUTANEOUS AND ARTICULAR SYNDROME; CINCA syndrome; Prieur Griscelli syndrome; CRYOPYRIN-ASSOCIATED PERIODIC SYNDROME 3. Identifiers: Orphanet 1451, MedGen C0409818, MONDO:0011776, OMIM 607115.

Allele frequency attached by ClinVar (database versions not stated): gnomAD exomes 0.00019; gnomAD 0.00232 and 0.00248; TOPMed 0.00250; 1000 Genomes Project 0.00260.
gnomAD v4.1: 360 of 208,566 alleles (0.17%); highest among the groups gnomAD compares: African/African-American, 0.73%; 3 homozygotes.

Submissions (3):

Illumina Laboratory Services, Illumina
Classification: Benign for Chronic infantile neurological, cutaneous and articular syndrome. Last evaluated: 2018-01-12. Review status: criteria provided, single submitter. Criteria: ICSL Variant Classification Criteria 13 December 2019. Collection method: clinical testing. Allele origin: germline.
Comment: This variant was observed in the ICSL laboratory as part of a predisposition screen in an ostensibly healthy population. It had not been previously curated by ICSL or reported in the Human Gene Mutation Database (HGMD: prior to June 1st, 2018), and was therefore a candidate for classification through an automated scoring system. Utilizing variant allele frequency, disease prevalence and penetrance estimates, and inheritance mode, an automated score was calculated to assess if this variant is too frequent to cause the disease. Based on the score and internal cut-off values, a variant classified as benign is not then subjected to further curation. The score for this variant resulted in a classification of benign for this disease.

Illumina Laboratory Services, Illumina
Classification: Benign for Familial cold autoinflammatory syndrome 1. Last evaluated: 2018-01-12. Review status: criteria provided, single submitter. Criteria: ICSL Variant Classification Criteria 13 December 2019. Collection method: clinical testing. Allele origin: germline.
Comment: the same text as in the submission from Illumina Laboratory Services, Illumina above.

Illumina Laboratory Services, Illumina
Classification: Benign for Familial amyloid nephropathy with urticaria AND deafness. Last evaluated: 2018-01-12. Review status: criteria provided, single submitter. Criteria: ICSL Variant Classification Criteria 13 December 2019. Collection method: clinical testing. Allele origin: germline.
Comment: the same text as in the submission from Illumina Laboratory Services, Illumina above.

NM_001243133.2(NLRP3):c.-533C>T

Gene: NLRP3 (NLR family pyrin domain containing 3; plus strand). Cytogenetic location: 1q44.
Variant type: single nucleotide variant.
Coding change: c.-533C>T on transcript NM_001243133.2 (MANE Select); 533 bases upstream of the start codon, C replaced by T.
Molecular consequence: 5 prime UTR variant.
Genome position (GRCh38, 1-based): chr1:247,418,268, C>T. VCF-style: chr1-247418268-C-T. GRCh37 (hg19) VCF-style: chr1-247581570-C-T.
Other names: c.-67C>T (NM_001079821.3); c.-533C>T (NM_001127461.3, NM_001127462.3, NM_183395.3); c.-527C>T (NM_004895.5).
Identifiers: ClinVar variation 296929 (VCV000296929.5), dbSNP rs141994679, ClinGen allele CA10609954.